The following is an entry in ClinVar:

NM_001286445.3(RIPOR2):c.1744A>G (p.Ser582Gly)

Gene: RIPOR2 (RHO family interacting cell polarization regulator 2; minus strand). Cytogenetic location: 6p22.3.
Variant type: single nucleotide variant.
Coding change: c.1744A>G on transcript NM_001286445.3 (MANE Select); coding-DNA position 1744, A replaced by G.
Protein change: p.Ser582Gly; replaces serine 582 with glycine.
Molecular consequence: missense variant.
Genome position (GRCh38, 1-based): chr6:24,842,975, T>C on the plus strand (A>G on the coding strand, the complement: RIPOR2 is on the minus strand). VCF-style: chr6-24842975-T-C. GRCh37 (hg19) VCF-style: chr6-24843203-T-C.
Other names: c.1759A>G, p.Ser587Gly (NM_001286446.3); c.1657A>G, p.Ser553Gly (NM_001286447.2, NM_001346031.2, NM_001346032.2 and 1 more transcripts); c.1807A>G, p.Ser603Gly (NM_014722.5); short protein forms S553G, S582G, S587G, S603G.
Identifiers: ClinVar variation 3777555 (VCV003777555.1).

ClinVar aggregate classification (germline): Uncertain significance (1 of 4 stars; one submission).

gnomAD v4.1: 4 of 1,554,228 alleles (0.00026%); highest among the groups gnomAD compares: Non-Finnish European, 0.00035%; no homozygotes.

Submission:

GeneDx
Classification: Uncertain significance. Last evaluated: 2024-10-10. Review status: criteria provided, single submitter. Criteria: GeneDx Variant Classification Process June 2021. Collection method: clinical testing. Allele origin: germline. Affected: yes.
Comment: Not observed at significant frequency in large population cohorts (gnomAD); In silico analysis indicates that this missense variant does not alter protein structure/function; Has not been previously published as pathogenic or benign to our knowledge